The following is an entry in ClinVar:

NC_000006.11:g.(?_32006208)_(32007983_32008182)del

Gene: CYP21A2 (cytochrome P450 family 21 subfamily A member 2; plus strand). Cytogenetic location: 6p21.33.
Variant type: Deletion.
Identifiers: ClinVar variation 3375305 (VCV003375305.1).

ClinVar aggregate classification (germline): Pathogenic (1 of 4 stars; one submission).

Conditions:
Congenital adrenal hyperplasia. Identifiers: Orphanet 418, MedGen C0001627, MONDO:0018479, HP:0008258.

Submission:

Women's Health and Genetics/Laboratory Corporation of America, LabCorp
Classification: Pathogenic for Congenital adrenal hyperplasia. Last evaluated: 2024-09-23. Review status: criteria provided, single submitter. Criteria: LabCorp Variant Classification Summary - May 2015. Collection method: clinical testing. Allele origin: germline.
Comment: Variant summary: The variant involves the deletion of exons 1-7 in the CYP21A2 gene. A presumed nomenclature of c.(?_9)_(939+1_940-1)del has been designated for the purposes of this classification. The exact breakpoint at the 5' end of this variant is unknown, therefore this deletion may extend upstream of the annotated region of this gene. Although the exact breakpoints of this deletion are not known, it is predicted to remove the initiation codon and result in an absence of protein or a truncation of the encoded protein due to translation initiation at a downstream site. The variant was absent in 21694 control chromosomes. c.(?_9)_(939+1_940-1)del has been reported in the literature in multiple individuals affected with Congenital Adrenal Hyperplasia (example, Tolba_2022). These data indicate that the variant is very likely to be associated with disease. The following publication has been ascertained in the context of this evaluation (PMID: 35309130). ClinVar contains an entry for a similar copy number variant (Variation ID: 1297041). Based on the evidence outlined above, the variant was classified as pathogenic.

Literature cited by the submitters: PubMed 35309130.